The following is an entry in ClinVar:

ClinVar aggregate classification (germline): Uncertain significance. Review status: criteria provided, multiple submitters, no conflicts (2 of 4 stars). 4 submissions from 4 submitters: Uncertain significance (4). Last evaluated 2025-02-13.

Conditions:
Multiple endocrine neoplasia, type 2 (MEN2). Identifiers: Orphanet 653, MedGen C4048306, MONDO:0019003. Disease mechanism: gain of function.
Multiple endocrine neoplasia type 2B. Also called: Multiple endocrine neoplasia, type 3; MEN 2B; MULTIPLE ENDOCRINE NEOPLASIA, TYPE IIB; MUCOSAL NEUROMA SYNDROME; Multiple Endocrine Neoplasia Type 2B (MEN2B); MEN IIB. Identifiers: Orphanet 247709, Orphanet 653, MedGen C0025269, MeSH D018814, MONDO:0008082, OMIM 162300.
Hirschsprung disease, susceptibility to, 1 (HSCR1). Also called: RET-Related Hirschsprung Disease. Identifiers: Orphanet 388, MedGen C3888239, MONDO:0007723, OMIM 142623.
Pheochromocytoma. Also called: MAX-Related Hereditary Paraganglioma-Pheochromocytoma Syndrome. Identifiers: Orphanet 29072, MedGen C0031511, MONDO:0008233, OMIM 171300, HP:0002666.
Multiple endocrine neoplasia type 2A. Also called: MULTIPLE ENDOCRINE NEOPLASIA, TYPE IIA; PTC SYNDROME; SIPPLE SYNDROME; MEN 2A; MEN-2A syndrome; Pheochromocytoma and amyloid producing medullary thyroid carcinoma. Identifiers: Orphanet 247698, Orphanet 653, MedGen C0025268, MeSH D018813, MONDO:0008234, OMIM 171400.
Familial medullary thyroid carcinoma (MTC). Also called: Thyroid cancer, familial medullary; MTC, familial; Familial Medullary Thyroid Carcinoma (FMTC). Identifiers: Orphanet 653, Orphanet 99361, MedGen C1833921, MONDO:0007958, OMIM 155240.
Hereditary cancer-predisposing syndrome. Also called: Hereditary Cancer Syndrome; Hereditary neoplastic syndrome; Tumor predisposition; Neoplastic Syndromes, Hereditary. Identifiers: Orphanet 140162, MedGen C0027672, MeSH D009386, MONDO:0015356.

Submissions (4):

Labcorp Genetics (formerly Invitae), Labcorp
Classification: Uncertain significance for Multiple endocrine neoplasia, type 2. Last evaluated: 2025-02-13. Review status: criteria provided, single submitter. Criteria: Invitae Variant Classification Sherloc (09022015). Collection method: clinical testing. Allele origin: germline.
Comment: This sequence change replaces glycine, which is neutral and non-polar, with aspartic acid, which is acidic and polar, at codon 967 of the RET protein (p.Gly967Asp). This variant is not present in population databases (gnomAD no frequency). This variant has not been reported in the literature in individuals affected with RET-related conditions. ClinVar contains an entry for this variant (Variation ID: 1041774). An algorithm developed to predict the effect of missense changes on protein structure and function (PolyPhen-2) suggests that this variant is likely to be disruptive. In summary, the available evidence is currently insufficient to determine the role of this variant in disease. Therefore, it has been classified as a Variant of Uncertain Significance.

Ambry Genetics
Classification: Uncertain significance for Hereditary cancer-predisposing syndrome. Last evaluated: 2024-08-01. Review status: criteria provided, single submitter. Criteria: Ambry Variant Classification Scheme 2023. Collection method: clinical testing. Allele origin: germline.
Comment: The p.G967D variant (also known as c.2900G>A), located in coding exon 17 of the RET gene, results from a G to A substitution at nucleotide position 2900. The glycine at codon 967 is replaced by aspartic acid, an amino acid with similar properties. This amino acid position is conserved. In addition, this alteration is predicted to be deleterious by in silico analysis. Based on the available evidence, the clinical significance of this variant remains unclear.

All of Us Research Program, National Institutes of Health
Classification: Uncertain significance for Multiple endocrine neoplasia, type 2. Last evaluated: 2024-07-20. Review status: criteria provided, single submitter. Criteria: ACMG Guidelines, 2015. Collection method: clinical testing. Allele origin: germline. Inheritance: Autosomal dominant inheritance. Observed: 1 variant allele, 1 heterozygote.
Comment: This missense variant replaces glycine with aspartic acid at codon 967 of the RET protein. Computational prediction suggests that this variant may have deleterious impact on protein structure and function (internally defined REVEL score threshold >= 0.7, PMID: 27666373). To our knowledge, functional studies have not been reported for this variant. This variant has not been reported in individuals affected with RET-related disorders in the literature. This variant has not been identified in the general population by the Genome Aggregation Database (gnomAD). The available evidence is insufficient to determine the role of this variant in disease conclusively. Therefore, this variant is classified as a Variant of Uncertain Significance.

This study involves interpretation of variants in research participants for the purpose of population health screening. Participant phenotype was not available at the time of variant classification. Additional details can be found in publication PMID: 35346344, PMCID: PMC8962531

Fulgent Genetics
Classification: Uncertain significance for Hirschsprung disease, susceptibility to, 1; Familial medullary thyroid carcinoma; Multiple endocrine neoplasia type 2B; Pheochromocytoma; Multiple endocrine neoplasia type 2A. Last evaluated: 2024-01-30. Review status: criteria provided, single submitter. Criteria: ACMG Guidelines, 2015. Collection method: clinical testing. Allele origin: germline.

NM_020975.6(RET):c.2900G>A (p.Gly967Asp)

Gene: RET (ret proto-oncogene; plus strand). Cytogenetic location: 10q11.21.
Variant type: single nucleotide variant.
Coding change: c.2900G>A on transcript NM_020975.6 (MANE Select); coding-DNA position 2900, G replaced by A.
Protein change: p.Gly967Asp; replaces glycine 967 with aspartic acid.
Molecular consequence: missense variant.
Genome position (GRCh38, 1-based): chr10:43,123,769, G>A. VCF-style: chr10-43123769-G-A. GRCh37 (hg19) VCF-style: chr10-43619217-G-A.
Other names: c.2900G>A, p.Gly967Asp (NM_001406744.1, NM_001406759.1, NM_001406760.1 and 4 more transcripts); c.2771G>A, p.Gly924Asp (NM_001406761.1, NM_001406762.1, NM_001406764.1); c.2765G>A, p.Gly922Asp (NM_001406763.1, NM_001406765.1); c.2612G>A, p.Gly871Asp (NM_001406766.1, NM_001406767.1, NM_001406770.1); c.2174G>A, p.Gly725Asp (NM_001406777.1, NM_001406778.1, NM_001406775.1 and 1 more transcripts); c.2003G>A, p.Gly668Asp (NM_001406779.1, NM_001406780.1, NM_001406781.1 and 1 more transcripts); c.1874G>A, p.Gly625Asp (NM_001406783.1, NM_001406786.1); c.1910G>A, p.Gly637Asp (NM_001406784.1); and 10 more; short protein forms G713D, G967D, G532D, G623D, G625D, G637D, G668D, G821D.
Identifiers: ClinVar variation 1041774 (VCV001041774.13), dbSNP rs1838270446, ClinGen allele CA376557915.